The following is an entry in ClinVar:

NM_001004334.4(GPR179):c.3958G>A (p.Val1320Met)

Gene: GPR179 (G protein-coupled receptor 179; minus strand). Cytogenetic location: 17q12.
Variant type: single nucleotide variant.
Coding change: c.3958G>A on transcript NM_001004334.4 (MANE Select); coding-DNA position 3958, G replaced by A.
Protein change: p.Val1320Met; replaces valine 1320 with methionine.
Molecular consequence: missense variant.
Genome position (GRCh38, 1-based): chr17:38,329,611, C>T on the plus strand (G>A on the coding strand, the complement: GPR179 is on the minus strand). VCF-style: chr17-38329611-C-T. GRCh37 (hg19) VCF-style: chr17-36485494-C-T.
Other names: c.3958G>A (NM_001004334.2); short protein forms V1320M.
Identifiers: ClinVar variation 1905274 (VCV001905274.4), dbSNP rs1044191074, ClinGen allele CA290104554.

ClinVar aggregate classification (germline): Uncertain significance. Review status: criteria provided, multiple submitters, no conflicts (2 of 4 stars). 2 submissions from 2 submitters: Uncertain significance (2). Last evaluated 2025-04-28.

Conditions:
Inborn genetic diseases. Identifiers: MedGen C0950123, MeSH D030342.

gnomAD v4.1: 6 of 1,614,004 alleles (0.00037%); highest among the groups gnomAD compares: Admixed American, 0.0067%; no homozygotes.

Submissions (2):

Labcorp Genetics (formerly Invitae), Labcorp
Classification: Uncertain significance. Last evaluated: 2025-04-28. Review status: criteria provided, single submitter. Criteria: Invitae Variant Classification Sherloc (09022015). Collection method: clinical testing. Allele origin: germline.
Comment: This sequence change replaces valine, which is neutral and non-polar, with methionine, which is neutral and non-polar, at codon 1320 of the GPR179 protein (p.Val1320Met). This variant is present in population databases (no rsID available, gnomAD 0.003%). This variant has not been reported in the literature in individuals affected with GPR179-related conditions. ClinVar contains an entry for this variant (Variation ID: 1905274). An algorithm developed to predict the effect of missense changes on protein structure and function (PolyPhen-2) suggests that this variant is likely to be disruptive. In summary, the available evidence is currently insufficient to determine the role of this variant in disease. Therefore, it has been classified as a Variant of Uncertain Significance.

Ambry Genetics
Classification: Uncertain significance for Inborn genetic diseases. Last evaluated: 2024-04-01. Review status: criteria provided, single submitter. Criteria: Ambry Variant Classification Scheme 2023. Collection method: clinical testing. Allele origin: germline.